The following is an entry in ClinVar:

ClinVar aggregate classification (germline): Pathogenic (1 of 4 stars; one submission).

Conditions:
Familial cancer of breast. Also called: Hereditary breast cancer; hereditary breast carcinoma; BREAST CANCER, FAMILIAL. Identifiers: Orphanet 227535, MedGen C0346153, MONDO:0016419, OMIM 114480. Disease mechanism: loss of function.

Submission:

Labcorp Genetics (formerly Invitae), Labcorp
Classification: Pathogenic for Familial cancer of breast. Last evaluated: 2021-06-05. Review status: criteria provided, single submitter. Criteria: Invitae Variant Classification Sherloc (09022015). Collection method: clinical testing. Allele origin: germline.
Comment: This variant is an out-of-frame deletion of the genomic region encompassing exons 5-6 of the PALB2 gene. This is expected to create a premature translational stop signal and result in an absent or disrupted protein product. This variant has not been reported in the literature in individuals with PALB2-related disease. Loss-of-function variants in PALB2 are known to be pathogenic (PMID: 17200668, 24136930, 25099575). For these reasons, this variant has been classified as Pathogenic.

Literature cited by the submitters: PubMed 17200668; PubMed 24136930; PubMed 25099575.

NC_000016.10:g.(?_23629194)_(23630479_?)del

Gene: PALB2 (partner and localizer of BRCA2; minus strand). Cytogenetic location: 16p12.2.
Variant type: Deletion.
Identifiers: ClinVar variation 584114 (VCV000584114.3).